The following is an entry in ClinVar:

ClinVar aggregate classification (germline): Uncertain significance (1 of 4 stars; one submission).

Conditions:
Brachyolmia-amelogenesis imperfecta syndrome. Also called: PLATYSPONDYLY WITH AMELOGENESIS IMPERFECTA; Tooth agenesis, selective, 6; Dental anomalies and short stature. Identifiers: Orphanet 2899, MedGen C1832594, MONDO:0011018, OMIM 601216. Disease mechanism: loss of function.

Allele frequency attached by ClinVar (database versions not stated): gnomAD exomes below 0.00001 and 0.00001; ExAC 0.00002.
gnomAD v4.1: 2 of 1,613,898 alleles (0.00012%); highest among the groups gnomAD compares: Admixed American, 0.0017%; no homozygotes.

Submission:

Labcorp Genetics (formerly Invitae), Labcorp
Classification: Uncertain significance for Brachyolmia-amelogenesis imperfecta syndrome. Last evaluated: 2023-01-21. Review status: criteria provided, single submitter. Criteria: Invitae Variant Classification Sherloc (09022015). Collection method: clinical testing. Allele origin: germline.
Comment: Variants that disrupt the consensus splice site are a relatively common cause of aberrant splicing (PMID: 17576681, 9536098). Algorithms developed to predict the effect of sequence changes on RNA splicing suggest that this variant is not likely to affect RNA splicing. In summary, the available evidence is currently insufficient to determine the role of this variant in disease. Therefore, it has been classified as a Variant of Uncertain Significance. ClinVar contains an entry for this variant (Variation ID: 1350641). This variant has not been reported in the literature in individuals affected with LTBP3-related conditions. This variant is present in population databases (rs775117463, gnomAD 0.003%). This sequence change falls in intron 18 of the LTBP3 gene. It does not directly change the encoded amino acid sequence of the LTBP3 protein. It affects a nucleotide within the consensus splice site.

Literature cited by the submitters: PubMed 17576681; PubMed 9536098.

NM_001130144.3(LTBP3):c.2596+6G>A

Gene: LTBP3 (latent transforming growth factor beta binding protein 3; minus strand). Cytogenetic location: 11q13.1.
Variant type: single nucleotide variant.
Coding change: c.2596+6G>A on transcript NM_001130144.3 (MANE Select); 6 bases into the intron after coding-DNA position 2596, G replaced by A.
Molecular consequence: intron variant.
Genome position (GRCh38, 1-based): chr11:65,543,099, C>T on the plus strand (G>A on the coding strand, the complement: LTBP3 is on the minus strand). VCF-style: chr11-65543099-C-T. GRCh37 (hg19) VCF-style: chr11-65310570-C-T.
Other names: c.2245+6G>A (NM_001164266.1); c.2596+6G>A (NM_021070.4).
Identifiers: ClinVar variation 1350641 (VCV001350641.6), dbSNP rs775117463, ClinGen allele CA6100554.